The following is an entry in ClinVar:

ClinVar aggregate classification (germline): Benign/Likely benign. Review status: criteria provided, multiple submitters, no conflicts (2 of 4 stars). 2 submissions from 2 submitters: Benign (1); Likely benign (1). Last evaluated 2026-01-11.

Allele frequency attached by ClinVar (database versions not stated): gnomAD exomes 0.00009 and 0.00037; gnomAD 0.00014 and 0.00020; TOPMed 0.00015; ExAC 0.00025; 1000 Genomes Project 30x 0.00172; 1000 Genomes Project 0.00200.
gnomAD v4.1: 161 of 1,611,478 alleles (0.01%); highest among the groups gnomAD compares: East Asian, 0.27%; no homozygotes.

Submissions (2):

Labcorp Genetics (formerly Invitae), Labcorp
Classification: Benign. Last evaluated: 2026-01-11. Review status: criteria provided, single submitter. Criteria: Invitae Variant Classification Sherloc (09022015). Collection method: clinical testing. Allele origin: germline.

GeneDx
Classification: Likely benign. Last evaluated: 2016-09-26. Review status: criteria provided, single submitter. Criteria: GeneDx Variant Classification (06012015). Collection method: clinical testing. Allele origin: germline. Affected: yes.
Comment: This variant is considered likely benign or benign based on one or more of the following criteria: it is a conservative change, it occurs at a poorly conserved position in the protein, it is predicted to be benign by multiple in silico algorithms, and/or has population frequency not consistent with disease.

NM_024876.4(COQ8B):c.597C>T (p.Leu199=)

Gene: COQ8B (coenzyme Q8B; minus strand). Cytogenetic location: 19q13.2.
Variant type: single nucleotide variant.
Coding change: c.597C>T on transcript NM_024876.4 (MANE Select); coding-DNA position 597, C replaced by T.
Protein change: p.Leu199=; no amino-acid change (leucine 199 retained).
Molecular consequence: synonymous variant.
Genome position (GRCh38, 1-based): chr19:40,703,835, G>A on the plus strand (C>T on the coding strand, the complement: COQ8B is on the minus strand). VCF-style: chr19-40703835-G-A. GRCh37 (hg19) VCF-style: chr19-41209740-G-A.
Other names: c.474C>T, p.Leu158= (NM_001142555.3).
Identifiers: ClinVar variation 389193 (VCV000389193.9), dbSNP rs186764121, ClinGen allele CA9450347.
Genomic context (GRCh38, chr19:40,703,835, plus strand): 5'-TGAGGCAGCGGCAAAGGGCACCTCCTCCAAGGAGGCCACCTTGGCCTGCCAGTCCCTGCC[G>A]AGCTCCTCTTCAAGAACTCTCTGCGGGGAGTGGTCACAGCCATCATCATTGTGGCAGAGT-3'
Protein context (NP_079152.3, residues 189-209): WQMLRVLEEE[Leu199=]GRDWQAKVAS